The following is an entry in ClinVar:

ClinVar aggregate classification (germline): Likely benign (1 of 4 stars; one submission).

Conditions:
NCOA1-related disorder. Also called: NCOA1-related condition.

Submission:

PreventionGenetics, part of Exact Sciences
Classification: Likely benign for NCOA1-related condition. Last evaluated: 2025-12-30. Review status: criteria provided, single submitter. Criteria: ACMG Guidelines, 2015. Collection method: clinical testing. Allele origin: germline.
Comment: This variant is classified as likely benign based on ACMG/AMP sequence variant interpretation guidelines (Richards et al. 2015 PMID: 25741868, with internal and published modifications).

NM_003743.5(NCOA1):c.727C>T (p.Leu243=)

Gene: NCOA1 (nuclear receptor coactivator 1; plus strand). Cytogenetic location: 2p23.3.
Variant type: single nucleotide variant.
Coding change: c.727C>T on transcript NM_003743.5 (MANE Select); coding-DNA position 727, C replaced by T.
Protein change: p.Leu243=; no amino-acid change (leucine 243 retained).
Molecular consequence: synonymous variant.
Genome position (GRCh38, 1-based): chr2:24,693,266, C>T. VCF-style: chr2-24693266-C-T. GRCh37 (hg19) VCF-style: chr2-24916135-C-T.
Other names: c.727C>T, p.Leu243= (NM_001362950.1, NM_001362952.1, NM_001362954.1 and 3 more transcripts).
Identifiers: ClinVar variation 4980124 (VCV004980124.1).